The following is an entry in ClinVar:

NM_080732.4(EGLN2):c.665G>A (p.Gly222Glu)

Genes: EGLN2 (egl-9 family hypoxia inducible factor 2; plus strand), RAB4B-EGLN2 (RAB4B-EGLN2 readthrough (NMD candidate); plus strand). Cytogenetic location: 19q13.2.
Variant type: single nucleotide variant.
Coding change: c.665G>A on transcript NM_080732.4 (MANE Select); coding-DNA position 665, G replaced by A.
Protein change: p.Gly222Glu; replaces glycine 222 with glutamic acid.
Molecular consequence: missense variant. On other transcripts: non-coding transcript variant (1).
Genome position (GRCh38, 1-based): chr19:40,801,237, G>A. VCF-style: chr19-40801237-G-A. GRCh37 (hg19) VCF-style: chr19-41307142-G-A.
Other names: c.665G>A, p.Gly222Glu (NM_053046.4); short protein forms G222E.
Identifiers: ClinVar variation 2626065 (VCV002626065.2), dbSNP rs2515995096, ClinGen allele CA405955726.

ClinVar aggregate classification (germline): Uncertain significance (1 of 4 stars; one submission).

Submission:

Ambry Genetics
Classification: Uncertain significance. Last evaluated: 2023-06-24. Review status: criteria provided, single submitter. Criteria: Ambry Variant Classification Scheme 2023. Collection method: clinical testing. Allele origin: germline.
Comment: The p.G222E variant (also known as c.665G>A), located in coding exon 1 of the EGLN2 gene, results from a G to A substitution at nucleotide position 665. The glycine at codon 222 is replaced by glutamic acid, an amino acid with similar properties. This amino acid position is conserved. In addition, the in silico prediction for this alteration is inconclusive. Since supporting evidence is limited at this time, the clinical significance of this alteration remains unclear.